The following is an entry in ClinVar:

NM_001127178.3(PIGG):c.2569C>T (p.Gln857Ter)

Gene: PIGG (phosphatidylinositol glycan anchor biosynthesis class G (EMM blood group); plus strand). Cytogenetic location: 4p16.3.
Variant type: single nucleotide variant.
Coding change: c.2569C>T on transcript NM_001127178.3 (MANE Select); coding-DNA position 2569, C replaced by T.
Protein change: p.Gln857Ter; replaces glutamine 857 with a stop codon.
Molecular consequence: nonsense. On other transcripts: non-coding transcript variant (6).
Genome position (GRCh38, 1-based): chr4:530,743, C>T. VCF-style: chr4-530743-C-T. GRCh37 (hg19) VCF-style: chr4-524532-C-T.
Other names: c.2302C>T, p.Gln768Ter (NM_001289051.2, NM_001345986.2); c.2170C>T, p.Gln724Ter (NM_001289052.2); c.2278C>T, p.Gln760Ter (NM_001345987.2); c.1540C>T, p.Gln514Ter (NM_001345988.2); c.1036C>T, p.Gln346Ter (NM_001345990.2, NM_001345991.2); c.1471C>T, p.Gln491Ter (NM_001345994.2); c.2545C>T, p.Gln849Ter (NM_017733.5); short protein forms Q724*, Q346*, Q849*, Q514*, Q491*, Q760*, Q768*, Q857*.
Identifiers: ClinVar variation 654965 (VCV000654965.14), dbSNP rs1294683568, ClinGen allele CA355910455.

ClinVar aggregate classification (germline): Pathogenic/Likely pathogenic. Review status: criteria provided, multiple submitters, no conflicts (2 of 4 stars). 4 submissions from 4 submitters: Pathogenic (2); Likely pathogenic (2). Last evaluated 2025-12-16.

Conditions:
Intellectual disability, autosomal recessive 53 (NEDHSCA). Also called: NEURODEVELOPMENTAL DISORDER WITH OR WITHOUT HYPOTONIA, SEIZURES, AND CEREBELLAR ATROPHY; GLYCOSYLPHOSPHATIDYLINOSITOL BIOSYNTHESIS DEFECT 13; Mental retardation, autosomal recessive 53. Identifiers: Orphanet 488635, MedGen C4310794, MONDO:0014832, OMIM 616917.

Allele frequency attached by ClinVar (database versions not stated): gnomAD exomes 0.00001 and below 0.00001; TOPMed below 0.00001; gnomAD 0.00001.
gnomAD v4.1: 5 of 1,596,186 alleles (0.00031%); highest among the groups gnomAD compares: Admixed American, 0.0034%; no homozygotes.

Submissions (4):

Labcorp Genetics (formerly Invitae), Labcorp
Classification: Pathogenic for Intellectual disability, autosomal recessive 53. Last evaluated: 2025-12-16. Review status: criteria provided, single submitter. Criteria: Invitae Variant Classification Sherloc (09022015). Collection method: clinical testing. Allele origin: germline.
Comment: This sequence change creates a premature translational stop signal (p.Gln857*) in the PIGG gene. It is expected to result in an absent or disrupted protein product. Loss-of-function variants in PIGG are known to be pathogenic (PMID: 26996948, 28581210, 28771251). This variant is present in population databases (no rsID available, gnomAD 0.006%). This variant has not been reported in the literature in individuals affected with PIGG-related conditions. ClinVar contains an entry for this variant (Variation ID: 654965). Algorithms developed to predict the effect of sequence changes on RNA splicing suggest that this variant may disrupt the consensus splice site. For these reasons, this variant has been classified as Pathogenic.

GeneDx
Classification: Pathogenic. Last evaluated: 2025-11-24. Review status: criteria provided, single submitter. Criteria: GeneDx Variant Classification Process June 2021. Collection method: clinical testing. Allele origin: germline.
Comment: Nonsense variant predicted to result in protein truncation or nonsense mediated decay in a gene for which loss of function is a known mechanism of disease; Not observed at significant frequency in large population cohorts (gnomAD); This variant is associated with the following publications: (PMID: 26996948, 28581210, 28771251, 31440721, 38456468)

Dasa
Classification: Likely pathogenic. Last evaluated: 2025-04-07. Review status: criteria provided, single submitter. Criteria: DASA Assertion Criteria. Collection method: clinical testing. Allele origin: germline.
Comment: NM_001127178.3(PIGG):c.2569C>T (p.Gln857*) is a nonsense variant in PIGG predicted to introduce a premature termination codon and is predicted to result in an absent or altered protein product. Loss of function is an established disease mechanism for PIGG-associated disorders. Also, this variant is rare in population databases. Based on the currently available evidence, this variant is classified as likely pathogenic.

Institute of Medical Genetics and Applied Genomics, University Hospital Tübingen
Classification: Likely pathogenic. Last evaluated: 2020-10-23. Review status: criteria provided, single submitter. Criteria: ACMG Guidelines, 2015. Collection method: clinical testing. Allele origin: germline. Inheritance: Unknown mechanism. Affected: yes.

Literature cited by the submitters: PubMed 26996948 (cited by Labcorp Genetics (formerly Invitae), Labcorp); PubMed 28581210 (cited by Labcorp Genetics (formerly Invitae), Labcorp); PubMed 28771251 (cited by Labcorp Genetics (formerly Invitae), Labcorp).